The following is an entry in ClinVar:

ClinVar aggregate classification (germline): Uncertain significance (1 of 4 stars; one submission).

gnomAD v4.1: 1 of 1,610,926 alleles (0.000062%); highest among the groups gnomAD compares: South Asian, 0.0011%; no homozygotes.

Submission:

GeneDx
Classification: Uncertain significance. Last evaluated: 2025-03-06. Review status: criteria provided, single submitter. Criteria: GeneDx Variant Classification Process June 2021. Collection method: clinical testing. Allele origin: germline. Affected: yes.
Comment: Not observed at significant frequency in large population cohorts (gnomAD); In silico analysis indicates that this missense variant does not alter protein structure/function; Has not been previously published as pathogenic or benign to our knowledge

NM_001164508.2(NEB):c.24466A>G (p.Asn8156Asp)

Genes: NEB (nebulin; minus strand), RIF1 (replication timing regulatory factor 1; plus strand). Cytogenetic location: 2q23.3.
Variant type: single nucleotide variant.
Coding change: c.24466A>G on transcript NM_001164508.2 (MANE Select); coding-DNA position 24466, A replaced by G.
Protein change: p.Asn8156Asp; replaces asparagine 8156 with aspartic acid.
Molecular consequence: missense variant.
Genome position (GRCh38, 1-based): chr2:151,496,296, T>C on the plus strand (A>G on the coding strand, the complement: NEB is on the minus strand). VCF-style: chr2-151496296-T-C. GRCh37 (hg19) VCF-style: chr2-152352810-T-C.
Other names: c.24466A>G, p.Asn8156Asp (NM_001164507.2); c.24571A>G, p.Asn8191Asp (NM_001271208.2); c.18898A>G, p.Asn6300Asp (NM_004543.5); short protein forms N6300D, N8156D, N8191D.
Identifiers: ClinVar variation 4082628 (VCV004082628.1).
Genomic context (GRCh38, chr2:151,496,296, plus strand): 5'-TAAAATCAGTAAGTAGTTTTTTTCTTTTCTCGCCAAGTACCGAGCTAATATTTTCTTGAT[T>C]GTGTTTGACTCGCTCCATCTCGGGAGTGACAGCTAAAGGAGTTCCCTTGCCCATGTTTTC-3'
Protein context (NP_001157980.2, residues 8146-8166): VTPEMERVKH[Asn8156Asp]QENISSVLYK